The following is an entry in ClinVar:

ClinVar aggregate classification (germline): Pathogenic (1 of 4 stars; one submission).

Conditions:
Duchenne muscular dystrophy (DMD). Also called: MUSCULAR DYSTROPHY, PSEUDOHYPERTROPHIC PROGRESSIVE, DUCHENNE TYPE; Duchenne Muscular Dystrophy (DMD). Identifiers: Orphanet 98896, MedGen C0013264, MONDO:0010679, OMIM 310200.

Submission:

Labcorp Genetics (formerly Invitae), Labcorp
Classification: Pathogenic for Duchenne muscular dystrophy. Last evaluated: 2024-09-18. Review status: criteria provided, single submitter. Criteria: Invitae Variant Classification Sherloc (09022015). Collection method: clinical testing. Allele origin: germline.
Comment: This sequence change creates a premature translational stop signal (p.Asn135Thrfs*7) in the DMD gene. It is expected to result in an absent or disrupted protein product. Loss-of-function variants in DMD are known to be pathogenic (PMID: 16770791, 25007885). This variant is not present in population databases (gnomAD no frequency). This variant has not been reported in the literature in individuals affected with DMD-related conditions. ClinVar contains an entry for this variant (Variation ID: 2039143). For these reasons, this variant has been classified as Pathogenic.

Literature cited by the submitters: PubMed 16770791; PubMed 25007885.

NM_004006.3(DMD):c.402del (p.Asn135fs)

Gene: DMD (dystrophin; minus strand). Cytogenetic location: Xp21.1.
Variant type: Deletion.
Coding change: c.402del on transcript NM_004006.3 (MANE Select); coding-DNA position 402, one base deleted (C; older notation c.402delC).
Protein change: p.Asn135fs; shifts the reading frame from asparagine 135.
Molecular consequence: frameshift variant.
Genome position (GRCh38, 1-based): chrX:32,816,596, G deleted on the plus strand (C on the coding strand, the reverse complement: DMD is on the minus strand); the first of 2 consecutive G bases (chrX:32,816,596-32,816,597); deleting either gives the same sequence. VCF-style (leftmost placement, unchanged base first): chrX-32816595-TG-T. GRCh37 (hg19) VCF-style: chrX-32834712-TG-T.
Other names: c.378del, p.Asn127fs (NM_000109.4); c.390del, p.Asn131fs (NM_004009.3); c.33del, p.Asn12fs (NM_004010.3); short protein forms N127fs, N135fs, N131fs, N12fs.
Identifiers: ClinVar variation 2039143 (VCV002039143.4), dbSNP rs2524327169, ClinGen allele CA2580100763.
Genomic context (GRCh38, chrX:32,816,595, plus strand): 5'-TAACCTGTGGATAATTACGAGTTGATTGTCGGACCCAGCTCAGGAGAATCTTTTCACTGT[TG>T]GTTTGTTGCAATCCAGCCATGATATTTTTCATTACATTTTTGACCTACATGTGGAAATAA-3'